The following is an entry in ClinVar:

NM_178014.4(TUBB):c.218T>C (p.Met73Thr)

Gene: TUBB (tubulin beta class I; plus strand). Cytogenetic location: 6p21.33.
Variant type: single nucleotide variant.
Coding change: c.218T>C on transcript NM_178014.4 (MANE Select); coding-DNA position 218, T replaced by C.
Protein change: p.Met73Thr; replaces methionine 73 with threonine.
Molecular consequence: missense variant. On other transcripts: initiator codon variant (2), non-coding transcript variant (1).
Genome position (GRCh38, 1-based): chr6:30,722,969, T>C. VCF-style: chr6-30722969-T-C. GRCh37 (hg19) VCF-style: chr6-30690746-T-C.
Other names: c.278T>C, p.Met93Thr (NM_001293212.2); c.218T>C, p.Met73Thr (NM_001293213.2); c.86T>C, p.Met29Thr (NM_001293214.2); c.2T>C, p.Met1Thr (NM_001293215.2, NM_001293216.2); short protein forms M29T, M93T, M1T, M73T.
Identifiers: ClinVar variation 4974057 (VCV004974057.2).
Genomic context (GRCh38, chr6:30,722,969, plus strand): 5'-TCTCTGTAGGTGGCAAATATGTTCCTCGTGCCATCCTGGTGGATCTAGAACCTGGGACCA[T>C]GGACTCTGTTCGCTCAGGTCCTTTTGGCCAGATCTTTAGACCAGACAACTTTGTATTTGG-3'
Protein context (NP_821133.1, residues 63-83): AILVDLEPGT[Met73Thr]DSVRSGPFGQ

ClinVar aggregate classification (germline): Pathogenic/Likely pathogenic. Review status: criteria provided, multiple submitters, no conflicts (2 of 4 stars). 2 submissions from 2 submitters: Pathogenic (1); Likely pathogenic (1). Last evaluated 2026-09-01.

Conditions:
Michelin-tire baby. Also called: Multiple benign circumferential skin creases on limbs. Identifiers: Orphanet 2505, MedGen C0473586, MONDO:0007990.
TUBB-related disorder. Also called: TUBB-related condition.

Submissions (2):

Genos
Classification: Pathogenic for Michelin-tire baby. Last evaluated: 2026-09-01. Review status: criteria provided, single submitter. Criteria: ACMG Guidelines, 2015. Collection method: clinical testing. Allele origin: de novo. Inheritance: Autosomal dominant inheritance. Affected: yes.
Comment: The TUBB c.218T>C p.(Met73Thr) variant is absent from gnomAD v4.1.1 (PM2). In silico prediction supports a deleterious effect (REVEL 0.79; PP3), and TUBB is constrained against missense variation, with missense variants representing an established disease mechanism (PP2). This variant has previously been reported in an affected individual with a TUBB-related neurodevelopmental phenotype (PMID:29427453), supporting PS4 at a supporting level. Functional studies in patient-derived fibroblasts demonstrated impaired microtubule repolymerization, altered intracellular trafficking and reduced cell migration (PMID:32085672); however, these data do not meet the validation requirements for formal application of PS3. A different missense substitution affecting the same residue, NM_178014.4:c.217A>G p.(Met73Val), was reported in a child with complex cortical dysplasia with other brain malformations type 6 and classified as likely pathogenic according to ACMG criteria (PMID:37994139), supporting PM5 at a supporting level. The phenotype is consistent with a TUBB-related disorder but is not considered sufficiently specific for PP4. Overall, the variant is classified as likely pathogenic according to ACGS 2024 criteria (PM2, PM6_supporting, PP2, PP3, PS4_supporting, PM5_supporting).

Blueprint Genetics
Classification: Likely pathogenic for TUBB-related disorders. Last evaluated: 2018-11-02. Review status: criteria provided, single submitter. Criteria: ACMG Guidelines, 2015. Collection method: clinical testing. Allele origin: germline. Affected: yes. Observed: 1 variant allele.

Literature cited by the submitters: PubMed 29427453 (cited by Genos); PubMed 32085672 (cited by Genos); PubMed 37994139 (cited by Genos).